The following is an entry in ClinVar:

ClinVar aggregate classification (germline): Likely benign (1 of 4 stars; one submission).

Allele frequency attached by ClinVar (database versions not stated): 1000 Genomes Project 30x 0.00125; 1000 Genomes Project 0.00140; TOPMed 0.00216; gnomAD exomes 0.00238; gnomAD 0.00443.
gnomAD v4.1: 598 of 231,964 alleles (0.26%); highest among the groups gnomAD compares: Non-Finnish European, 0.38%; 1 homozygote.

Submission:

CeGaT Center for Human Genetics Tuebingen
Classification: Likely benign. Last evaluated: 2023-06-01. Review status: criteria provided, single submitter. Criteria: CeGaT Center For Human Genetics Tuebingen Variant Classification Criteria Version 2. Collection method: clinical testing. Allele origin: germline. Affected: yes. Observed: 11 variant alleles.
Comment: TGFBR2: BS1

NM_003242.6(TGFBR2):c.*858C>T

Gene: TGFBR2 (transforming growth factor beta receptor 2; plus strand). Cytogenetic location: 3p24.1.
Variant type: single nucleotide variant.
Coding change: c.*858C>T on transcript NM_003242.6 (MANE Select); 858 bases downstream of the stop codon, C replaced by T.
Molecular consequence: 3 prime UTR variant.
Genome position (GRCh38, 1-based): chr3:30,692,457, C>T. VCF-style: chr3-30692457-C-T. GRCh37 (hg19) VCF-style: chr3-30733949-C-T.
Other names: c.*858C>T (NM_001024847.3, NM_001407126.1, NM_001407127.1 and 11 more transcripts).
Identifiers: ClinVar variation 344686 (VCV000344686.37), dbSNP rs142745018, ClinGen allele CA10616077.
Genomic context (GRCh38, chr3:30,692,457, plus strand): 5'-GAACCCCACTTTTTACCTTCATGGGTTGCAGAAAAATCAGAACAGATGTCCCCATCCATG[C>T]GATTGCCCCACCATCTACTAATGAAAAATTGTTCTTTTTTTCATCTTTCCCCTGCACTTA-3'